The following is an entry in ClinVar:

ClinVar aggregate classification (germline): Uncertain significance (1 of 4 stars; one submission).

Submission:

Labcorp Genetics (formerly Invitae), Labcorp
Classification: Uncertain significance. Last evaluated: 2022-08-09. Review status: criteria provided, single submitter. Criteria: Invitae Variant Classification Sherloc (09022015). Collection method: clinical testing. Allele origin: germline.
Comment: This sequence change replaces glycine, which is neutral and non-polar, with phenylalanine, which is neutral and non-polar, at codon 583 of the COL18A1 protein (p.Gly583Phe). The frequency data for this variant in the population databases is considered unreliable, as metrics indicate poor data quality at this position in the gnomAD database. This variant has not been reported in the literature in individuals affected with COL18A1-related conditions. ClinVar contains an entry for this variant (Variation ID: 1499655). Experimental studies and prediction algorithms are not available or were not evaluated, and the functional significance of this variant is currently unknown. In summary, the available evidence is currently insufficient to determine the role of this variant in disease. Therefore, it has been classified as a Variant of Uncertain Significance.

NM_001379500.1(COL18A1):c.1747_1748delinsTT (p.Gly583Phe)

Gene: COL18A1 (collagen type XVIII alpha 1 chain; plus strand). Cytogenetic location: 21q22.3.
Variant type: Indel.
Coding change: c.1747_1748delinsTT on transcript NM_001379500.1 (MANE Select); coding-DNA positions 1747 to 1748, GG replaced by TT.
Protein change: p.Gly583Phe; replaces glycine 583 with phenylalanine.
Molecular consequence: missense variant.
Genome position (GRCh38, 1-based): chr21:45,486,906-45,486,907, GG replaced by TT. VCF-style: chr21-45486906-GG-TT. GRCh37 (hg19) VCF-style: chr21-46906820-GG-TT.
Other names: c.2287_2288delinsTT, p.Gly763Phe (NM_030582.4); c.2992_2993delinsTT, p.Gly998Phe (NM_130444.3); short protein forms G583F, G763F, G998F.
Identifiers: ClinVar variation 1499655 (VCV001499655.3), dbSNP rs2145964546, ClinGen allele CA2573157569.